The following is an entry in ClinVar:

ClinVar aggregate classification (germline): Uncertain significance (1 of 4 stars; one submission).

gnomAD v4.1: 1 of 1,614,112 alleles (0.000062%); highest among the groups gnomAD compares: Non-Finnish European, 0.000085%; no homozygotes.

Submission:

Dasa
Classification: Uncertain significance. Last evaluated: 2026-04-28. Review status: criteria provided, single submitter. Criteria: DASA Assertion Criteria. Collection method: clinical testing. Allele origin: germline.
Comment: NM_000141.5(FGFR2):c.1618A>G (p.Met540Val) is a missense variant that results in the substitution of methionine with valine. The affected residue or protein region has prior evidence supporting clinical relevance. This variant is rare in population databases. The currently available literature and clinical evidence are not sufficient to establish a definitive association between this variant and the reported condition. Therefore, this variant is classified as a variant of uncertain significance.

NM_000141.5(FGFR2):c.1618A>G (p.Met540Val)

Gene: FGFR2 (fibroblast growth factor receptor 2; minus strand). Cytogenetic location: 10q26.13.
Variant type: single nucleotide variant.
Coding change: c.1618A>G on transcript NM_000141.5 (MANE Select); coding-DNA position 1618, A replaced by G.
Protein change: p.Met540Val; replaces methionine 540 with valine.
Molecular consequence: missense variant. On other transcripts: non-coding transcript variant (1).
Genome position (GRCh38, 1-based): chr10:121,498,549, T>C on the plus strand (A>G on the coding strand, the complement: FGFR2 is on the minus strand). VCF-style: chr10-121498549-T-C. GRCh37 (hg19) VCF-style: chr10-123258063-T-C.
Other names: c.1621A>G, p.Met541Val (NM_001144913.1, NM_022970.4); c.1282A>G, p.Met428Val (NM_001144914.1); c.1351A>G, p.Met451Val (NM_001144915.2, NM_023029.3); c.1273A>G, p.Met425Val (NM_001144916.2, NM_001441090.1); c.1270A>G, p.Met424Val (NM_001144917.2); c.1267A>G, p.Met423Val (NM_001144918.2, NM_001441091.1); c.1354A>G, p.Met452Val (NM_001144919.2); c.934A>G, p.Met312Val (NM_001320654.2); and 4 more; short protein forms M312V, M423V, M424V, M425V, M428V, M449V, M450V, M451V.
Identifiers: ClinVar variation 4882469 (VCV004882469.2).